The following is an entry in ClinVar:

NM_002834.5(PTPN11):c.346C>T (p.His116Tyr)

Gene: PTPN11 (protein tyrosine phosphatase non-receptor type 11; plus strand). Cytogenetic location: 12q24.13.
Variant type: single nucleotide variant.
Coding change: c.346C>T on transcript NM_002834.5 (MANE Select); coding-DNA position 346, C replaced by T.
Protein change: p.His116Tyr; replaces histidine 116 with tyrosine.
Molecular consequence: missense variant.
Genome position (GRCh38, 1-based): chr12:112,453,208, C>T. VCF-style: chr12-112453208-C-T. GRCh37 (hg19) VCF-style: chr12-112891012-C-T.
Other names: c.346C>T, p.His116Tyr (NM_001330437.2, NM_080601.3); c.343C>T, p.His115Tyr (NM_001374625.1); short protein forms H115Y, H116Y.
Identifiers: ClinVar variation 5038380 (VCV005038380.1).

ClinVar aggregate classification (germline): Uncertain significance (1 of 4 stars; one submission).

Conditions:
Noonan syndrome 1 (NS1). Also called: TURNER PHENOTYPE WITH NORMAL KARYOTYPE; FEMALE PSEUDO-TURNER SYNDROME; PTPN11-Related Noonan Syndrome. Identifiers: Orphanet 648, MedGen C4551602, MONDO:0008104, OMIM 163950. Disease mechanism: gain of function.

gnomAD v4.1: 3 of 1,611,944 alleles (0.00019%); highest among the groups gnomAD compares: Non-Finnish European, 0.00025%; no homozygotes.

Submission:

St. Jude Molecular Pathology, St. Jude Children's Research Hospital
Classification: Uncertain significance for Noonan syndrome 1. Last evaluated: 2026-10-01. Review status: criteria provided, single submitter. Criteria: St. Jude Assertion Criteria 2020. Collection method: clinical testing. Allele origin: germline.
Comment: The PTPN11 c.346C>T p.(His116Tyr) missense change has a maximum subpopulation frequency of 0.0004% in gnomAD v2.1.1. This variant occurs in a gene where missense variants are a co mmon mechanism of disease. The in silico tool REVEL predicts a deleterious effect on protein function, but to our knowledge this prediction has not been confirmed by functional studies. To our knowledge, this variant has not been reported in individuals with RASopathy conditions. In summary, the evidence currently available is insufficient to determine the clinical significance of this variant. It has therefore been classified as of uncertain significance (VUS-Low).